The following is an entry in ClinVar:

ClinVar aggregate classification (germline): Likely benign. Review status: criteria provided, multiple submitters, no conflicts (2 of 4 stars). 3 submissions from 3 submitters: Likely benign (3). Last evaluated 2025-06-26.

Allele frequency attached by ClinVar (database versions not stated): gnomAD exomes 0.00001; gnomAD 0.00002; TOPMed 0.00003.
gnomAD v4.1: 14 of 1,550,446 alleles (0.0009%); highest among the groups gnomAD compares: Admixed American, 0.0078%; no homozygotes.

Submissions (3):

Women's Health and Genetics/Laboratory Corporation of America, LabCorp
Classification: Likely benign. Last evaluated: 2025-06-26. Review status: criteria provided, single submitter. Criteria: LabCorp Variant Classification Summary - May 2015. Collection method: clinical testing. Allele origin: germline.

Labcorp Genetics (formerly Invitae), Labcorp
Classification: Likely benign. Last evaluated: 2024-05-29. Review status: criteria provided, single submitter. Criteria: Invitae Variant Classification Sherloc (09022015). Collection method: clinical testing. Allele origin: germline.

GeneDx
Classification: Likely benign. Last evaluated: 2017-12-05. Review status: criteria provided, single submitter. Criteria: GeneDx Variant Classification (06012015). Collection method: clinical testing. Allele origin: germline. Affected: yes.
Comment: This variant is considered likely benign or benign based on one or more of the following criteria: it is a conservative change, it occurs at a poorly conserved position in the protein, it is predicted to be benign by multiple in silico algorithms, and/or has population frequency not consistent with disease.

NM_001367624.2(ZNF469):c.11691G>A (p.Gln3897=)

Gene: ZNF469 (zinc finger protein 469; plus strand). Cytogenetic location: 16q24.2.
Variant type: single nucleotide variant.
Coding change: c.11691G>A on transcript NM_001367624.2 (MANE Select); coding-DNA position 11691, G replaced by A.
Protein change: p.Gln3897=; no amino-acid change (glutamine 3897 retained).
Molecular consequence: synonymous variant.
Genome position (GRCh38, 1-based): chr16:88,439,161, G>A. VCF-style: chr16-88439161-G-A. GRCh37 (hg19) VCF-style: chr16-88505569-G-A.
Identifiers: ClinVar variation 513863 (VCV000513863.5), dbSNP rs1322051909, ClinGen allele CA497359592.